The following is an entry in ClinVar:

NM_000465.4(BARD1):c.1159T>C (p.Phe387Leu)

Gene: BARD1 (BRCA1 associated RING domain 1; minus strand). Cytogenetic location: 2q35.
Variant type: single nucleotide variant.
Coding change: c.1159T>C on transcript NM_000465.4 (MANE Select); coding-DNA position 1159, T replaced by C.
Protein change: p.Phe387Leu; replaces phenylalanine 387 with leucine.
Molecular consequence: missense variant. On other transcripts: non-coding transcript variant (2), intron variant (3).
Genome position (GRCh38, 1-based): chr2:214,780,715, A>G on the plus strand (T>C on the coding strand, the complement: BARD1 is on the minus strand). VCF-style: chr2-214780715-A-G. GRCh37 (hg19) VCF-style: chr2-215645439-A-G.
Other names: p.Phe387Leu; c.1102T>C, p.Phe368Leu (NM_001282543.2); c.159-28160T>C (NM_001282548.2); c.215+16346T>C (NM_001282545.2); c.364+11582T>C (NM_001282549.2); short protein forms F387L, F368L.
Identifiers: ClinVar variation 186719 (VCV000186719.35), dbSNP rs759370463, ClinGen allele CA195649.

ClinVar aggregate classification (germline): Conflicting classifications of pathogenicity. Review status: criteria provided, conflicting classifications (1 of 4 stars). 10 submissions from 10 submitters: Uncertain significance (8); Likely benign (2). Last evaluated 2026-01-13.

Conditions:
Familial cancer of breast. Also called: BREAST CANCER, FAMILIAL; Hereditary breast cancer; hereditary breast carcinoma. Identifiers: Orphanet 227535, MedGen C0346153, MONDO:0016419, OMIM 114480. Disease mechanism: loss of function.
Hereditary cancer-predisposing syndrome. Also called: Neoplastic Syndromes, Hereditary; Tumor predisposition; Hereditary Cancer Syndrome; Hereditary neoplastic syndrome. Identifiers: Orphanet 140162, MedGen C0027672, MeSH D009386, MONDO:0015356.

Allele frequency attached by ClinVar (database versions not stated): gnomAD exomes below 0.00001; TOPMed below 0.00001; ExAC 0.00001; gnomAD 0.00001.
gnomAD v4.1: 32 of 1,613,962 alleles (0.002%); highest among the groups gnomAD compares: Non-Finnish European, 0.0025%; no homozygotes.

Submissions (10):

Labcorp Genetics (formerly Invitae), Labcorp
Classification: Uncertain significance for Familial cancer of breast. Last evaluated: 2026-01-13. Review status: criteria provided, single submitter. Criteria: Invitae Variant Classification Sherloc (09022015). Collection method: clinical testing. Allele origin: germline.
Comment: This sequence change replaces phenylalanine, which is neutral and non-polar, with leucine, which is neutral and non-polar, at codon 387 of the BARD1 protein (p.Phe387Leu). This variant is present in population databases (rs759370463, gnomAD 0.0009%). This variant has not been reported in the literature in individuals affected with BARD1-related conditions. ClinVar contains an entry for this variant (Variation ID: 186719). An algorithm developed to predict the effect of missense changes on protein structure and function (PolyPhen-2) suggests that this variant is likely to be tolerated. In summary, the available evidence is currently insufficient to determine the role of this variant in disease. Therefore, it has been classified as a Variant of Uncertain Significance.

Quest Diagnostics Nichols Institute San Juan Capistrano
Classification: Uncertain significance. Last evaluated: 2025-05-09. Review status: criteria provided, single submitter. Criteria: Quest Diagnostics criteria. Collection method: clinical testing. Allele origin: unknown.
Comment: The BARD1 c.1159T>C (p.Phe387Leu) variant has been reported in the published literature in individuals with breast cancer and reportedly unaffected individuals in a large scale breast cancer association study (PMID: 33471991 (2021), see also LOVD). The frequency of this variant in the general population (Genome Aggregation Database) is uninformative in the assessment of its pathogenicity. Analysis of this variant using bioinformatics tools for the prediction of the effect of amino acid changes on protein structure and function yielded predictions that this variant is benign. Based on the available information, we are unable to determine the clinical significance of this variant.

Mayo Clinic Laboratories, Mayo Clinic
Classification: Uncertain significance. Last evaluated: 2024-11-12. Review status: criteria provided, single submitter. Criteria: ACMG Guidelines, 2015. Collection method: clinical testing. Allele origin: germline. Observed: 1 variant allele.
Comment: BP4, PM2_supporting

Color Diagnostics, LLC DBA Color Health
Classification: Uncertain significance for Hereditary cancer-predisposing syndrome. Last evaluated: 2024-09-23. Review status: criteria provided, single submitter. Criteria: ACMG Guidelines, 2015. Collection method: clinical testing. Allele origin: germline.
Comment: This missense variant replaces phenylalanine with leucine at codon 387 of the BARD1 protein. Computational prediction suggests that this variant may not impact protein structure and function. To our knowledge, functional studies have not been reported for this variant. In a large breast cancer meta-analysis, this variant has been observed in 3/60463 cases and 1/53460 controls (OR=2.653, 95%CI 0.276 to 25.502, p-value=0.628; PMID: 33471991). This variant has been identified in 1/251224 chromosomes in the general population by the Genome Aggregation Database (gnomAD). The available evidence is insufficient to determine the role of this variant in disease conclusively. Therefore, this variant is classified as a Variant of Uncertain Significance.

Ambry Genetics
Classification: Likely benign for Hereditary cancer-predisposing syndrome. Last evaluated: 2024-08-14. Review status: criteria provided, single submitter. Criteria: Ambry Variant Classification Scheme 2023. Collection method: clinical testing. Allele origin: germline.

Myriad Genetics, Inc.
Classification: Likely benign for Familial cancer of breast. Last evaluated: 2024-07-24. Review status: criteria provided, single submitter. Criteria: Myriad Autosomal Dominant, Autosomal Recessive and X-Linked Classification Criteria (2023). Collection method: clinical testing. Allele origin: unknown.
Comment: This variant is considered likely benign. This variant is strongly associated with less severe personal and family histories of cancer, typical for individuals without pathogenic variants in this gene [PMID: 25085752].

Women's Health and Genetics/Laboratory Corporation of America, LabCorp
Classification: Uncertain significance. Last evaluated: 2024-01-02. Review status: criteria provided, single submitter. Criteria: LabCorp Variant Classification Summary - May 2015. Collection method: clinical testing. Allele origin: germline.
Comment: Variant summary: BARD1 c.1159T>C (p.Phe387Leu) results in a non-conservative amino acid change in the encoded protein sequence. Four of five in-silico tools predict a benign effect of the variant on protein function. The variant allele was found at a frequency of 4e-06 in 251224 control chromosomes. The available data on variant occurrences in the general population are insufficient to allow any conclusion about variant significance. To our knowledge, no occurrence of c.1159T>C in individuals affected with Breast Cancer and no experimental evidence demonstrating its impact on protein function have been reported. Seven submitters have cited clinical-significance assessments for this variant to ClinVar after 2014. All submitters classified the variant as uncertain significance. Based on the evidence outlined above, the variant was classified as uncertain significance.

GeneDx
Classification: Uncertain significance. Last evaluated: 2023-10-17. Review status: criteria provided, single submitter. Criteria: GeneDx Variant Classification Process June 2021. Collection method: clinical testing. Allele origin: germline. Affected: yes.
Comment: Not observed at significant frequency in large population cohorts (gnomAD); In silico analysis supports that this missense variant does not alter protein structure/function; Observed in individuals with breast cancer as well as an unaffected control (Dorling et al., 2021); This variant is associated with the following publications: (PMID: 33471991)

Sema4
Classification: Uncertain significance for Hereditary cancer-predisposing syndrome. Last evaluated: 2021-12-29. Review status: criteria provided, single submitter. Criteria: Sema4 Curation Guidelines. Collection method: curation. Allele origin: germline.
Comment: The BARD1 c.1159T>C (p.F387L) variant has been reported in heterozygosity in at least three individuals with breast cancer as well as in a healthy control (PMID: 33471991). It was observed in 1/113568 chromosomes of the Non-Finnish European subpopulation in the large and broad cohorts of the Genome Aggregation Database (PMID: 32461654). The variant has been reported in ClinVar (Variation ID 186719). In silico tools suggest the impact of the variant on protein function is benign, though these predictions have not been confirmed by functional studies. The evidence is insufficient to meet ACMG/AMP criteria for classifying the variant as benign or pathogenic. Thus, the clinical significance of this variant is currently uncertain.

Illumina Laboratory Services, Illumina
Classification: Uncertain significance for Familial cancer of breast. Last evaluated: 2018-01-12. Review status: criteria provided, single submitter. Criteria: ICSL Variant Classification Criteria 13 December 2019. Collection method: clinical testing. Allele origin: germline.

Literature cited by the submitters: PubMed 33471991 (cited by 3 submitters); PubMed 25085752 (cited by Myriad Genetics, Inc.).